The following is an entry in ClinVar:

NM_003072.5(SMARCA4):c.4909G>A (p.Glu1637Lys)

Gene: SMARCA4 (SWI/SNF related BAF chromatin remodeling complex subunit ATPase 4; plus strand). Cytogenetic location: 19p13.2.
Variant type: single nucleotide variant.
Coding change: c.4909G>A on transcript NM_003072.5 (MANE Select); coding-DNA position 4909, G replaced by A.
Protein change: p.Glu1637Lys; replaces glutamic acid 1637 with lysine.
Molecular consequence: missense variant. On other transcripts: non-coding transcript variant (1).
Genome position (GRCh38, 1-based): chr19:11,060,185, G>A. VCF-style: chr19-11060185-G-A. GRCh37 (hg19) VCF-style: chr19-11170861-G-A.
Other names: c.5005G>A (NM_001128849.1); c.4909G>A, p.Glu1637Lys (NM_001128844.3); c.4819G>A, p.Glu1607Lys (NM_001128845.2); c.4816G>A, p.Glu1606Lys (NM_001128846.2); c.4810G>A, p.Glu1604Lys (NM_001128847.4, NM_001374457.1); c.4807G>A, p.Glu1603Lys (NM_001128848.2); c.5005G>A, p.Glu1669Lys (NM_001128849.3, NM_001387283.1); short protein forms E1603K, E1637K, E1606K, E1669K, E1604K, E1607K.
Identifiers: ClinVar variation 1501689 (VCV001501689.11), dbSNP rs1298648044, ClinGen allele CA404081015.

ClinVar aggregate classification (germline): Uncertain significance. Review status: criteria provided, multiple submitters, no conflicts (2 of 4 stars). 2 submissions from 2 submitters: Uncertain significance (2). Last evaluated 2023-09-22.

Conditions:
Rhabdoid tumor predisposition syndrome 2 (RTPS2). Identifiers: Orphanet 231108, Orphanet 69077, MedGen C2750074, MONDO:0013224, OMIM 613325.
Hereditary cancer-predisposing syndrome. Also called: Hereditary neoplastic syndrome; Tumor predisposition; Neoplastic Syndromes, Hereditary; Hereditary Cancer Syndrome. Identifiers: Orphanet 140162, MedGen C0027672, MeSH D009386, MONDO:0015356.

Allele frequency attached by ClinVar (database versions not stated): gnomAD exomes 0.00001.
gnomAD v4.1: 1 of 1,550,930 alleles (0.000064%); highest among the groups gnomAD compares: African/African-American, 0.0014%; no homozygotes.

Submissions (2):

Labcorp Genetics (formerly Invitae), Labcorp
Classification: Uncertain significance for Rhabdoid tumor predisposition syndrome 2. Last evaluated: 2023-09-22. Review status: criteria provided, single submitter. Criteria: Invitae Variant Classification Sherloc (09022015). Collection method: clinical testing. Allele origin: germline.
Comment: In summary, the available evidence is currently insufficient to determine the role of this variant in disease. Therefore, it has been classified as a Variant of Uncertain Significance. Experimental studies and prediction algorithms are not available or were not evaluated, and the functional significance of this variant is currently unknown. ClinVar contains an entry for this variant (Variation ID: 1501689). This variant has not been reported in the literature in individuals affected with SMARCA4-related conditions. This variant is present in population databases (no rsID available, gnomAD 0.01%). This sequence change replaces glutamic acid, which is acidic and polar, with lysine, which is basic and polar, at codon 1669 of the SMARCA4 protein (p.Glu1669Lys).

Ambry Genetics
Classification: Uncertain significance for Hereditary cancer-predisposing syndrome. Last evaluated: 2023-03-31. Review status: criteria provided, single submitter. Criteria: Ambry Variant Classification Scheme 2023. Collection method: clinical testing. Allele origin: germline.
Comment: The p.E1669K variant (also known as c.5005G>A), located in coding exon 34 of the SMARCA4 gene, results from a G to A substitution at nucleotide position 5005. The glutamic acid at codon 1669 is replaced by lysine, an amino acid with similar properties. This amino acid position is highly conserved in available vertebrate species. In addition, the in silico prediction for this alteration is inconclusive. Missense and in-frame variants in SMARCA4 are known to cause neurodevelopmental disorders; however, such associations with rhabdoid tumor predisposition syndrome including small cell carcinoma of the ovary-hypercalcemic type (SCCOHT) are exceedingly rare (Kosho T et al. Am J Med Genet C Semin Med Genet. 2014 Sep;166C(3):262-75; Jelinic P et al. Nat Genet. 2014 May;46(5):424-6). Since supporting evidence is limited at this time, the clinical significance of this alteration remains unclear.